The following is an entry in ClinVar:

ClinVar aggregate classification (germline): Uncertain significance. Review status: criteria provided, multiple submitters, no conflicts (2 of 4 stars). 2 submissions from 2 submitters: Uncertain significance (2). Last evaluated 2024-12-01.

Conditions:
Inborn genetic diseases. Identifiers: MedGen C0950123, MeSH D030342.

Allele frequency attached by ClinVar (database versions not stated): gnomAD exomes below 0.00001.
gnomAD v4.1: 1 of 1,613,900 alleles (0.000062%); highest among the groups gnomAD compares: Non-Finnish European, 0.000085%; no homozygotes.

Submissions (2):

Ambry Genetics
Classification: Uncertain significance for Inborn genetic diseases. Last evaluated: 2024-12-01. Review status: criteria provided, single submitter. Criteria: Ambry Variant Classification Scheme 2023. Collection method: clinical testing. Allele origin: germline.
Comment: The p.C1431R variant (also known as c.4291T>C), located in coding exon 1 of the SAMD9L gene, results from a T to C substitution at nucleotide position 4291. The cysteine at codon 1431 is replaced by arginine, an amino acid with highly dissimilar properties. This amino acid position is conserved. In addition, this alteration is predicted to be tolerated by in silico analysis. Based on the available evidence, the clinical significance of this variant remains unclear.

Labcorp Genetics (formerly Invitae), Labcorp
Classification: Uncertain significance. Last evaluated: 2023-05-02. Review status: criteria provided, single submitter. Criteria: Invitae Variant Classification Sherloc (09022015). Collection method: clinical testing. Allele origin: germline.
Comment: In summary, the available evidence is currently insufficient to determine the role of this variant in disease. Therefore, it has been classified as a Variant of Uncertain Significance. Advanced modeling of protein sequence and biophysical properties (such as structural, functional, and spatial information, amino acid conservation, physicochemical variation, residue mobility, and thermodynamic stability) performed at Invitae indicates that this missense variant is not expected to disrupt SAMD9L protein function. This variant has not been reported in the literature in individuals affected with SAMD9L-related conditions. This variant is not present in population databases (gnomAD no frequency). This sequence change replaces cysteine, which is neutral and slightly polar, with arginine, which is basic and polar, at codon 1431 of the SAMD9L protein (p.Cys1431Arg).

NM_152703.5(SAMD9L):c.4291T>C (p.Cys1431Arg)

Gene: SAMD9L (sterile alpha motif domain containing 9 like; minus strand). Cytogenetic location: 7q21.2.
Variant type: single nucleotide variant.
Coding change: c.4291T>C on transcript NM_152703.5 (MANE Select); coding-DNA position 4291, T replaced by C.
Protein change: p.Cys1431Arg; replaces cysteine 1431 with arginine.
Molecular consequence: missense variant.
Genome position (GRCh38, 1-based): chr7:93,131,681, A>G on the plus strand (T>C on the coding strand, the complement: SAMD9L is on the minus strand). VCF-style: chr7-93131681-A-G. GRCh37 (hg19) VCF-style: chr7-92760994-A-G.
Other names: c.4291T>C (NM_152703.2); c.4291T>C, p.Cys1431Arg (NM_001303496.3, NM_001303497.3, NM_001303498.3 and 5 more transcripts); short protein forms C1431R.
Identifiers: ClinVar variation 2861834 (VCV002861834.4), dbSNP rs2535404392, ClinGen allele CA368174765.
Genomic context (GRCh38, chr7:93,131,681, plus strand): 5'-ACTTTTCTATTAGTTTGGAATCTTGATCTAGCTCTTGATTTTCTGGCCAGAACAGGAGGC[A>G]GGCCAAGAAATAAGGACCTGGATATTGATGACTTAGTCCTACAAATTGCAAGACCTCTCG-3'
Protein context (NP_689916.2, residues 1421-1441): HQYPGPYFLA[Cys1431Arg]LLFWPENQEL